The following is an entry in ClinVar:

ClinVar aggregate classification (germline): Uncertain significance. Review status: criteria provided, multiple submitters, no conflicts (2 of 4 stars). 2 submissions from 2 submitters: Uncertain significance (2). Last evaluated 2024-03-18.

Conditions:
Charcot-Marie-Tooth disease axonal type 2P. Also called: CHARCOT-MARIE-TOOTH DISEASE, AXONAL, TYPE 2G; CMT 2G; CHARCOT-MARIE-TOOTH NEUROPATHY, TYPE 2P; Charcot-Marie-Tooth Neuropathy Type 2G. Identifiers: Orphanet 300319, Orphanet 99941, MedGen C3280797, MONDO:0013753, OMIM 614436.

Allele frequency attached by ClinVar (database versions not stated): ExAC 0.00001; TOPMed 0.00001; gnomAD exomes 0.00002.
gnomAD v4.1: 18 of 1,612,506 alleles (0.0011%); highest among the groups gnomAD compares: South Asian, 0.0033%; no homozygotes.

Submissions (2):

Labcorp Genetics (formerly Invitae), Labcorp
Classification: Uncertain significance for Charcot-Marie-Tooth disease axonal type 2P. Last evaluated: 2024-03-18. Review status: criteria provided, single submitter. Criteria: Invitae Variant Classification Sherloc (09022015). Collection method: clinical testing. Allele origin: germline.
Comment: This sequence change replaces alanine, which is neutral and non-polar, with threonine, which is neutral and polar, at codon 319 of the LRSAM1 protein (p.Ala319Thr). This variant is present in population databases (rs756492485, gnomAD 0.007%). This variant has not been reported in the literature in individuals affected with LRSAM1-related conditions. ClinVar contains an entry for this variant (Variation ID: 1407157). Advanced modeling of protein sequence and biophysical properties (such as structural, functional, and spatial information, amino acid conservation, physicochemical variation, residue mobility, and thermodynamic stability) performed at Invitae indicates that this missense variant is not expected to disrupt LRSAM1 protein function with a negative predictive value of 80%. In summary, the available evidence is currently insufficient to determine the role of this variant in disease. Therefore, it has been classified as a Variant of Uncertain Significance.

Blueprint Genetics
Classification: Uncertain significance. Last evaluated: 2023-10-26. Review status: criteria provided, single submitter. Criteria: ACMG Guidelines, 2015. Collection method: clinical testing. Allele origin: germline.

NM_001005373.4(LRSAM1):c.955G>A (p.Ala319Thr)

Gene: LRSAM1 (leucine rich repeat and sterile alpha motif containing 1; plus strand). Cytogenetic location: 9q33.3.
Variant type: single nucleotide variant.
Coding change: c.955G>A on transcript NM_001005373.4 (MANE Select); coding-DNA position 955, G replaced by A.
Protein change: p.Ala319Thr; replaces alanine 319 with threonine.
Molecular consequence: missense variant. On other transcripts: non-coding transcript variant (2).
Genome position (GRCh38, 1-based): chr9:127,479,890, G>A. VCF-style: chr9-127479890-G-A. GRCh37 (hg19) VCF-style: chr9-130242169-G-A.
Other names: c.955G>A, p.Ala319Thr (NM_001005374.4, NM_001190723.3, NM_001384142.1 and 2 more transcripts); c.166G>A, p.Ala56Thr (NM_001384144.1); short protein forms A56T, A319T.
Identifiers: ClinVar variation 1407157 (VCV001407157.7), dbSNP rs756492485, ClinGen allele CA5246770.